The following is an entry in ClinVar:

NM_015450.3(POT1):c.1651G>A (p.Gly551Arg)

Gene: POT1 (protection of telomeres 1; minus strand). Cytogenetic location: 7q31.33.
Variant type: single nucleotide variant.
Coding change: c.1651G>A on transcript NM_015450.3 (MANE Select); coding-DNA position 1651, G replaced by A.
Protein change: p.Gly551Arg; replaces glycine 551 with arginine.
Molecular consequence: missense variant. On other transcripts: non-coding transcript variant (3).
Genome position (GRCh38, 1-based): chr7:124,827,249, C>T on the plus strand (G>A on the coding strand, the complement: POT1 is on the minus strand). VCF-style: chr7-124827249-C-T. GRCh37 (hg19) VCF-style: chr7-124467303-C-T.
Other names: c.1258G>A, p.Gly420Arg (NM_001042594.2); c.1651G>A (NM_015450.2); short protein forms G420R, G551R.
Identifiers: ClinVar variation 2626817 (VCV002626817.2), dbSNP rs1021547035, ClinGen allele CA166094501.
Genomic context (GRCh38, chr7:124,827,249, plus strand): 5'-TATCTTTATTACCTCTGATACTTACAGAATCCATGAGATAGGCTTCTAGTACTCCTGTTC[C>T]ATCATCAAGTGTAAAGGTCATAACAAACACATATTGGAGGGGTACAATACCCAGTGCTAG-3'
Protein context (NP_056265.2, residues 541-561): VFVMTFTLDD[Gly551Arg]TGVLEAYLMD

ClinVar aggregate classification (germline): Conflicting classifications of pathogenicity. Review status: criteria provided, conflicting classifications (1 of 4 stars). 2 submissions from 2 submitters: Likely pathogenic (1); Uncertain significance (1). Last evaluated 2025-11-13.

Conditions:
Hereditary cancer-predisposing syndrome. Also called: Tumor predisposition; Hereditary Cancer Syndrome; Hereditary neoplastic syndrome; Neoplastic Syndromes, Hereditary. Identifiers: Orphanet 140162, MedGen C0027672, MeSH D009386, MONDO:0015356.
Dyskeratosis congenita. Identifiers: Orphanet 1775, MedGen C0265965, MONDO:0015780.

Allele frequency attached by ClinVar (database versions not stated): gnomAD exomes below 0.00001; gnomAD 0.00001; TOPMed 0.00001.
gnomAD v4.1: 7 of 1,595,508 alleles (0.00044%); highest among the groups gnomAD compares: Non-Finnish European, 0.00051%; no homozygotes.

Submissions (2):

Ambry Genetics
Classification: Uncertain significance for Hereditary cancer-predisposing syndrome. Last evaluated: 2025-11-13. Review status: criteria provided, single submitter. Criteria: Ambry Variant Classification Scheme 2023. Collection method: clinical testing. Allele origin: germline.
Comment: The p.G551R variant (also known as c.1651G>A), located in coding exon 13 of the POT1 gene, results from a G to A substitution at nucleotide position 1651. The glycine at codon 551 is replaced by arginine, an amino acid with dissimilar properties. This amino acid position is well conserved in available vertebrate species. In addition, the in silico prediction for this alteration is inconclusive. Based on the available evidence, the clinical significance of this variant remains unclear.

Bone Marrow Failure laboratory, Queen Mary University London
Classification: Likely pathogenic for Dyskeratosis congenita. Review status: criteria provided, single submitter. Criteria: ACMG Guidelines, 2015. Collection method: research. Allele origin: paternal. Affected: yes. Observed: 3 variant alleles, 1 heterozygote, 2 compound heterozygotes. Clinical features observed: Premature graying of hair, Bone marrow hypocellularity, Leukopenia, Thrombocytopenia, Small for gestational age, Pulmonary fibrosis, Cirrhosis.